The following is an entry in ClinVar:

NM_005221.6(DLX5):c.239T>C (p.Val80Ala)

Gene: DLX5 (distal-less homeobox 5; minus strand). Cytogenetic location: 7q21.3.
Variant type: single nucleotide variant.
Coding change: c.239T>C on transcript NM_005221.6 (MANE Select); coding-DNA position 239, T replaced by C.
Protein change: p.Val80Ala; replaces valine 80 with alanine.
Molecular consequence: missense variant.
Genome position (GRCh38, 1-based): chr7:97,024,385, A>G on the plus strand (T>C on the coding strand, the complement: DLX5 is on the minus strand). VCF-style: chr7-97024385-A-G. GRCh37 (hg19) VCF-style: chr7-96653697-A-G.
Other names: short protein forms V80A.
Identifiers: ClinVar variation 731436 (VCV000731436.11), dbSNP rs149635296, ClinGen allele CA4354071.

ClinVar aggregate classification (germline): Conflicting classifications of pathogenicity. Review status: criteria provided, conflicting classifications (1 of 4 stars). 4 submissions from 4 submitters: Uncertain significance (2); Likely benign (2). Last evaluated 2026-03-18.

Allele frequency attached by ClinVar (database versions not stated): gnomAD exomes 0.00007 and 0.00016; ExAC 0.00024; 1000 Genomes Project 30x 0.00047; ESP Exome Variant Server 0.00054; 1000 Genomes Project 0.00060; TOPMed 0.00098.
gnomAD v4.1: 222 of 1,614,230 alleles (0.014%); highest among the groups gnomAD compares: African/African-American, 0.27%; 1 homozygote.

Submissions (4):

GeneDx
Classification: Uncertain significance. Last evaluated: 2026-03-18. Review status: criteria provided, single submitter. Criteria: GeneDx Variant Classification Process June 2021. Collection method: clinical testing. Allele origin: germline.
Comment: In silico analysis suggests that this missense variant does not alter protein structure/function; Has not been previously published as pathogenic or benign to our knowledge

Blueprint Genetics
Classification: Uncertain significance. Last evaluated: 2023-07-27. Review status: criteria provided, single submitter. Criteria: ACMG Guidelines, 2015. Collection method: clinical testing. Allele origin: germline.

Labcorp Genetics (formerly Invitae), Labcorp
Classification: Likely benign. Last evaluated: 2022-05-02. Review status: criteria provided, single submitter. Criteria: Invitae Variant Classification Sherloc (09022015). Collection method: clinical testing. Allele origin: germline.

Breakthrough Genomics
Classification: Likely benign. Review status: criteria provided, single submitter. Criteria: ACMG Guidelines, 2015. Collection method: not provided. Allele origin: germline. Inheritance: Autosomal recessive inheritance. Affected: yes.